The following is an entry in ClinVar:

ClinVar aggregate classification (germline): Benign/Likely benign. Review status: criteria provided, multiple submitters, no conflicts (2 of 4 stars). 3 submissions from 3 submitters: Benign (1); Likely benign (1). 1 of the submissions does not count toward it. Last evaluated 2024-11-15.

Conditions:
Thrombocytopenia. Identifiers: MedGen C0040034, MeSH D013921, MONDO:0002049, HP:0001873.
MASTL-related disorder. Also called: MASTL-related condition.

Allele frequency attached by ClinVar (database versions not stated): 1000 Genomes Project 30x 0.00016; 1000 Genomes Project 0.00020; gnomAD 0.00062 and 0.00063; TOPMed 0.00064; ExAC 0.00076; ESP Exome Variant Server 0.00123.
gnomAD v4.1: 1,475 of 1,613,554 alleles (0.091%); highest among the groups gnomAD compares: Non-Finnish European, 0.12%; 2 homozygotes.

Submissions (3):

Blueprint Genetics
Classification: Likely benign. Last evaluated: 2024-11-15. Review status: criteria provided, single submitter. Criteria: ACMG Guidelines, 2015. Collection method: clinical testing. Allele origin: germline.

Illumina Laboratory Services, Illumina
Classification: Benign for Thrombocytopenia. Last evaluated: 2018-01-12. Review status: criteria provided, single submitter. Criteria: ICSL Variant Classification Criteria 13 December 2019. Collection method: clinical testing. Allele origin: germline.
Comment: This variant was observed in the ICSL laboratory as part of a predisposition screen in an ostensibly healthy population. It had not been previously curated by ICSL or reported in the Human Gene Mutation Database (HGMD: prior to June 1st, 2018), and was therefore a candidate for classification through an automated scoring system. Utilizing variant allele frequency, disease prevalence and penetrance estimates, and inheritance mode, an automated score was calculated to assess if this variant is too frequent to cause the disease. Based on the score and internal cut-off values, a variant classified as benign is not then subjected to further curation. The score for this variant resulted in a classification of benign for this disease.

PreventionGenetics, part of Exact Sciences
Classification: Likely benign for MASTL-related condition. Last evaluated: 2024-01-02. Review status: no assertion criteria provided. Collection method: clinical testing. Allele origin: germline. Not counted in ClinVar's aggregate classification.
Comment: This variant is classified as likely benign based on ACMG/AMP sequence variant interpretation guidelines (Richards et al. 2015 PMID: 25741868, with internal and published modifications).

NM_001172303.3(MASTL):c.1016T>A (p.Met339Lys)

Gene: MASTL (microtubule associated serine/threonine kinase like; plus strand). Cytogenetic location: 10p12.1.
Variant type: single nucleotide variant.
Coding change: c.1016T>A on transcript NM_001172303.3 (MANE Select); coding-DNA position 1016, T replaced by A.
Protein change: p.Met339Lys; replaces methionine 339 with lysine.
Molecular consequence: missense variant. On other transcripts: non-coding transcript variant (1).
Genome position (GRCh38, 1-based): chr10:27,169,975, T>A. VCF-style: chr10-27169975-T-A. GRCh37 (hg19) VCF-style: chr10-27458904-T-A.
Other names: c.1016T>A, p.Met339Lys (NM_001172304.3, NM_001320756.2, NM_001320757.2 and 1 more transcripts); c.533T>A, p.Met178Lys (NM_001372029.1, NM_001372030.1); c.1016T>A (NM_032844.4); short protein forms M339K, M178K.
Identifiers: ClinVar variation 877444 (VCV000877444.7), dbSNP rs144503451, ClinGen allele CA5450140.